The following is an entry in ClinVar:

ClinVar aggregate classification (germline): Uncertain significance (1 of 4 stars; one submission).

Submission:

Ambry Genetics
Classification: Uncertain significance. Last evaluated: 2026-08-18. Review status: criteria provided, single submitter. Criteria: Ambry Variant Classification Scheme 2023. Collection method: clinical testing. Allele origin: germline.
Comment: The c.130G>A (p.V44I) alteration is located in exon 1 (coding exon 1) of the TMEM47 gene. This alteration results from a G to A substitution at nucleotide position 130, causing the valine (V) at amino acid position 44 to be replaced by an isoleucine (I). Based on data from gnomAD, the A allele has an overall frequency of 0.001% (1/129019) total alleles studied. The highest observed frequency was 0.012% (1/8629) of African alleles. Based on insufficient or conflicting evidence, the clinical significance of this alteration remains unclear.

NM_031442.4(TMEM47):c.130G>A (p.Val44Ile)

Gene: TMEM47 (transmembrane protein 47; minus strand). Cytogenetic location: Xp21.1.
Variant type: single nucleotide variant.
Coding change: c.130G>A on transcript NM_031442.4 (MANE Select); coding-DNA position 130, G replaced by A.
Protein change: p.Val44Ile; replaces valine 44 with isoleucine.
Molecular consequence: missense variant.
Genome position (GRCh38, 1-based): chrX:34,656,900, C>T on the plus strand (G>A on the coding strand, the complement: TMEM47 is on the minus strand). VCF-style: chrX-34656900-C-T. GRCh37 (hg19) VCF-style: chrX-34675017-C-T.
Other names: short protein forms V44I.
Identifiers: ClinVar variation 5030951 (VCV005030951.1).